The following is an entry in ClinVar:

NM_021023.6(CFHR3):c.924A>G (p.Ala308=)

Gene: CFHR3 (complement factor H related 3; plus strand). Cytogenetic location: 1q31.3.
Variant type: single nucleotide variant.
Coding change: c.924A>G on transcript NM_021023.6 (MANE Select); coding-DNA position 924, A replaced by G.
Protein change: p.Ala308=; no amino-acid change (alanine 308 retained).
Molecular consequence: synonymous variant.
Genome position (GRCh38, 1-based): chr1:196,793,444, A>G. VCF-style: chr1-196793444-A-G. GRCh37 (hg19) VCF-style: chr1-196762574-A-G.
Other names: p.Ala308=; c.741A>G, p.Ala247= (NM_001166624.2).
Identifiers: ClinVar variation 2639692 (VCV002639692.25), dbSNP rs773132269, ClinGen allele CA1306321.

ClinVar aggregate classification (germline): Likely benign. Review status: criteria provided, multiple submitters, no conflicts (2 of 4 stars). 2 submissions from 2 submitters: Likely benign (2). Last evaluated 2025-05-28.

Allele frequency attached by ClinVar (database versions not stated): gnomAD 0.00005; ExAC 0.00006.
gnomAD v4.1: 155 of 1,527,474 alleles (0.01%); highest among the groups gnomAD compares: South Asian, 0.17%; 35 homozygotes.

Submissions (2):

Mayo Clinic Laboratories, Mayo Clinic
Classification: Likely benign. Last evaluated: 2025-05-28. Review status: criteria provided, single submitter. Criteria: ACMG Guidelines, 2015. Collection method: clinical testing. Allele origin: germline. Observed: 3 variant alleles.
Comment: BP4, BP7

CeGaT Center for Human Genetics Tuebingen
Classification: Likely benign. Last evaluated: 2022-07-01. Review status: criteria provided, single submitter. Criteria: CeGaT Center For Human Genetics Tuebingen Variant Classification Criteria Version 2. Collection method: clinical testing. Allele origin: germline. Affected: yes. Observed: 1 variant allele.
Comment: CFHR3: BP4, BP7